The following is an entry in ClinVar:

NM_001205293.3(CACNA1E):c.5309_5310del (p.Leu1770fs)

Gene: CACNA1E (calcium voltage-gated channel subunit alpha1 E; plus strand). Cytogenetic location: 1q25.3.
Variant type: Microsatellite.
Coding change: c.5309_5310del on transcript NM_001205293.3 (MANE Select); coding-DNA positions 5309 to 5310, 2 bases deleted (TC; older notation c.5309_5310delTC).
Protein change: p.Leu1770fs; shifts the reading frame from leucine 1770.
Molecular consequence: frameshift variant.
Genome position (GRCh38, 1-based): chr1:181,781,468-181,781,469, TC deleted; deleting any 2 consecutive bases within chr1:181,781,465-181,781,469 gives the same sequence; the c. name uses the placement nearest the transcript's 3' end. VCF-style (leftmost placement, unchanged base first): chr1-181781464-ACT-A. GRCh37 (hg19) VCF-style: chr1-181750600-ACT-A.
Other names: c.5309_5310del, p.Leu1770fs (NM_000721.4); c.5252_5253del, p.Leu1751fs (NM_001205294.2); c.5309_5310delTC (NM_000721.3); c.5309_5310del (NM_000721.3); short protein forms L1770fs, L1751fs.
Identifiers: ClinVar variation 422193 (VCV000422193.3), dbSNP rs1064795619, ClinGen allele CA16617028.

ClinVar aggregate classification (germline): Uncertain significance (1 of 4 stars; one submission).

Submission:

GeneDx
Classification: Uncertain significance. Last evaluated: 2025-03-06. Review status: criteria provided, single submitter. Criteria: GeneDx Variant Classification Process June 2021. Collection method: clinical testing. Allele origin: germline. Affected: yes.
Comment: Not observed at significant frequency in large population cohorts (gnomAD); Frameshift variant predicted to result in protein truncation or nonsense mediated decay in a gene or region of a gene for which loss of function is not a well-established mechanism of disease; Has not been previously published as pathogenic or benign to our knowledge